The following is an entry in ClinVar:

ClinVar aggregate classification (germline): Pathogenic (1 of 4 stars; one submission).

Conditions:
Familial cancer of breast. Also called: hereditary breast carcinoma; BREAST CANCER, FAMILIAL; Hereditary breast cancer. Identifiers: Orphanet 227535, MedGen C0346153, MONDO:0016419, OMIM 114480. Disease mechanism: loss of function.

Submission:

Labcorp Genetics (formerly Invitae), Labcorp
Classification: Pathogenic for Familial cancer of breast. Last evaluated: 2025-06-06. Review status: criteria provided, single submitter. Criteria: Invitae Variant Classification Sherloc (09022015). Collection method: clinical testing. Allele origin: germline.
Comment: This sequence change creates a premature translational stop signal (p.Leu63*) in the CHEK2 gene. It is expected to result in an absent or disrupted protein product. Loss-of-function variants in CHEK2 are known to be pathogenic (PMID: 21876083, 24713400). This variant is not present in population databases (gnomAD no frequency). This variant has not been reported in the literature in individuals affected with CHEK2-related conditions. For these reasons, this variant has been classified as Pathogenic.

Literature cited by the submitters: PubMed 21876083; PubMed 24713400.

NM_007194.4(CHEK2):c.188T>A (p.Leu63Ter)

Gene: CHEK2 (checkpoint kinase 2; minus strand). Cytogenetic location: 22q12.1.
Variant type: single nucleotide variant.
Coding change: c.188T>A on transcript NM_007194.4 (MANE Select); coding-DNA position 188, T replaced by A.
Protein change: p.Leu63Ter; replaces leucine 63 with a stop codon.
Molecular consequence: nonsense. On other transcripts: 5 prime UTR variant (1), intron variant (1).
Genome position (GRCh38, 1-based): chr22:28,734,534, A>T on the plus strand (T>A on the coding strand, the complement: CHEK2 is on the minus strand). VCF-style: chr22-28734534-A-T. GRCh37 (hg19) VCF-style: chr22-29130522-A-T.
Other names: c.188T>A, p.Leu63Ter (NM_001005735.3, NM_001349956.3, NM_001438293.1 and 3 more transcripts); c.-590T>A (NM_001257387.3); c.-345+7235T>A (NM_001437942.1); short protein forms L63*.
Identifiers: ClinVar variation 4720850 (VCV004720850.1).